The following is an entry in ClinVar:

NM_014003.4(DHX38):c.1663G>A (p.Gly555Arg)

Gene: DHX38 (DEAH-box helicase 38; plus strand). Cytogenetic location: 16q22.2.
Variant type: single nucleotide variant.
Coding change: c.1663G>A on transcript NM_014003.4 (MANE Select); coding-DNA position 1663, G replaced by A.
Protein change: p.Gly555Arg; replaces glycine 555 with arginine.
Molecular consequence: missense variant.
Genome position (GRCh38, 1-based): chr16:72,103,627, G>A. VCF-style: chr16-72103627-G-A. GRCh37 (hg19) VCF-style: chr16-72137526-G-A.
Other names: short protein forms G555R.
Identifiers: ClinVar variation 1382585 (VCV001382585.6), dbSNP rs2144153900, ClinGen allele CA396707844.

ClinVar aggregate classification (germline): Uncertain significance (1 of 4 stars; one submission).

Submission:

Labcorp Genetics (formerly Invitae), Labcorp
Classification: Uncertain significance. Last evaluated: 2021-09-21. Review status: criteria provided, single submitter. Criteria: Invitae Variant Classification Sherloc (09022015). Collection method: clinical testing. Allele origin: germline.
Comment: In summary, the available evidence is currently insufficient to determine the role of this variant in disease. Therefore, it has been classified as a Variant of Uncertain Significance. Algorithms developed to predict the effect of sequence changes on RNA splicing suggest that this variant may create or strengthen a splice site. Algorithms developed to predict the effect of missense changes on protein structure and function (SIFT, PolyPhen-2, Align-GVGD) all suggest that this variant is likely to be disruptive. This variant has not been reported in the literature in individuals affected with DHX38-related conditions. This variant is not present in population databases (ExAC no frequency). This sequence change replaces glycine with arginine at codon 555 of the DHX38 protein (p.Gly555Arg). The glycine residue is highly conserved and there is a moderate physicochemical difference between glycine and arginine.